The following is an entry in ClinVar:

ClinVar aggregate classification (germline): Uncertain significance (1 of 4 stars; one submission).

Conditions:
Developmental and epileptic encephalopathy, 49 (DEE49). Also called: Epileptic encephalopathy, early infantile, 49. Identifiers: MedGen C4310635, MONDO:0015002, OMIM 617281.

Allele frequency attached by ClinVar (database versions not stated): TOPMed 0.00001.
gnomAD v4.1: 3 of 1,614,092 alleles (0.00019%); highest among the groups gnomAD compares: East Asian, 0.0022%; no homozygotes.

Submission:

Baylor Genetics
Classification: Uncertain significance for Developmental and epileptic encephalopathy, 49. Last evaluated: 2019-02-27. Review status: criteria provided, single submitter. Criteria: ACMG Guidelines, 2015. Collection method: clinical testing. Allele origin: maternal. Affected: yes.
Comment: This variant was determined to be of uncertain significance according to ACMG Guidelines, 2015 [PMID:25741868].

NM_015213.4(DENND5A):c.2908A>C (p.Met970Leu)

Gene: DENND5A (DENN domain containing 5A; minus strand). Cytogenetic location: 11p15.4.
Variant type: single nucleotide variant.
Coding change: c.2908A>C on transcript NM_015213.4 (MANE Select); coding-DNA position 2908, A replaced by C.
Protein change: p.Met970Leu; replaces methionine 970 with leucine.
Molecular consequence: missense variant. On other transcripts: non-coding transcript variant (1).
Genome position (GRCh38, 1-based): chr11:9,145,765, T>G on the plus strand (A>C on the coding strand, the complement: DENND5A is on the minus strand). VCF-style: chr11-9145765-T-G. GRCh37 (hg19) VCF-style: chr11-9167312-T-G.
Other names: c.2908A>C, p.Met970Leu (NM_001243254.2); c.2836A>C, p.Met946Leu (NM_001348749.2); c.2620A>C, p.Met874Leu (NM_001348750.2); short protein forms M970L, M874L, M946L.
Identifiers: ClinVar variation 1027954 (VCV001027954.1), dbSNP rs1162225544, ClinGen allele CA379603931.